The following is an entry in ClinVar:

NM_004370.6(COL12A1):c.8605G>A (p.Gly2869Arg)

Gene: COL12A1 (collagen type XII alpha 1 chain; minus strand). Cytogenetic location: 6q13.
Variant type: single nucleotide variant.
Coding change: c.8605G>A on transcript NM_004370.6 (MANE Select); coding-DNA position 8605, G replaced by A.
Protein change: p.Gly2869Arg; replaces glycine 2869 with arginine.
Molecular consequence: missense variant.
Genome position (GRCh38, 1-based): chr6:75,095,152, C>T on the plus strand (G>A on the coding strand, the complement: COL12A1 is on the minus strand). VCF-style: chr6-75095152-C-T. GRCh37 (hg19) VCF-style: chr6-75804868-C-T.
Other names: c.5113G>A, p.Gly1705Arg (NM_080645.3); short protein forms G2869R, G1705R.
Identifiers: ClinVar variation 452420 (VCV000452420.8), dbSNP rs1554167424, ClinGen allele CA364737063.

ClinVar aggregate classification (germline): Uncertain significance. Review status: criteria provided, multiple submitters, no conflicts (2 of 4 stars). 2 submissions from 2 submitters: Uncertain significance (2). Last evaluated 2025-05-12.

Conditions:
Ullrich congenital muscular dystrophy 2 (UCMD2). Identifiers: Orphanet 75840, MedGen C4225314, MONDO:0014654, OMIM 616470.
Bethlem myopathy 2 (BTHLM2). Identifiers: Orphanet 536516, Orphanet 610, MedGen C4225313, MONDO:0034022, OMIM 616471.

Allele frequency attached by ClinVar (database versions not stated): gnomAD exomes below 0.00001.
gnomAD v4.1: 1 of 1,614,044 alleles (0.000062%); highest among the groups gnomAD compares: Non-Finnish European, 0.000085%; no homozygotes.

Submissions (2):

GeneDx
Classification: Uncertain significance. Last evaluated: 2025-05-12. Review status: criteria provided, single submitter. Criteria: GeneDx Variant Classification Process June 2021. Collection method: clinical testing. Allele origin: germline. Affected: yes.
Comment: Reported in a proband with a clinical diagnosis of Ehlers-Danlos syndrome and history of muscle aches and weakness, but familial segregation information was not provided (PMID: 38534782); Not observed at significant frequency in large population cohorts (gnomAD); In silico analysis supports that this missense variant has a deleterious effect on protein structure/function; This variant is associated with the following publications: (PMID: Tonk2025[CaseReport], 38534782)

Labcorp Genetics (formerly Invitae), Labcorp
Classification: Uncertain significance for Bethlem myopathy 2; Ullrich congenital muscular dystrophy 2. Last evaluated: 2025-02-20. Review status: criteria provided, single submitter. Criteria: Invitae Variant Classification Sherloc (09022015). Collection method: clinical testing. Allele origin: germline.
Comment: This sequence change replaces glycine, which is neutral and non-polar, with arginine, which is basic and polar, at codon 2869 of the COL12A1 protein (p.Gly2869Arg). This variant is not present in population databases (gnomAD no frequency). This variant has not been reported in the literature in individuals affected with COL12A1-related conditions. ClinVar contains an entry for this variant (Variation ID: 452420). An algorithm developed to predict the effect of missense changes on protein structure and function (PolyPhen-2) suggests that this variant is likely to be disruptive. In summary, the available evidence is currently insufficient to determine the role of this variant in disease. Therefore, it has been classified as a Variant of Uncertain Significance.